The following is an entry in ClinVar:

ClinVar aggregate classification (germline): Uncertain significance (1 of 4 stars; one submission).

gnomAD v4.1: 3 of 1,357,722 alleles (0.00022%); highest among the groups gnomAD compares: Middle Eastern, 0.027%; no homozygotes.

Submission:

Labcorp Genetics (formerly Invitae), Labcorp
Classification: Uncertain significance. Last evaluated: 2024-10-21. Review status: criteria provided, single submitter. Criteria: Invitae Variant Classification Sherloc (09022015). Collection method: clinical testing. Allele origin: germline.
Comment: This sequence change replaces glycine, which is neutral and non-polar, with arginine, which is basic and polar, at codon 62 of the DGAT1 protein (p.Gly62Arg). This variant is not present in population databases (gnomAD no frequency). This variant has not been reported in the literature in individuals affected with DGAT1-related conditions. ClinVar contains an entry for this variant (Variation ID: 1348638). Invitae Evidence Modeling of protein sequence and biophysical properties (such as structural, functional, and spatial information, amino acid conservation, physicochemical variation, residue mobility, and thermodynamic stability) indicates that this missense variant is not expected to disrupt DGAT1 protein function with a negative predictive value of 80%. In summary, the available evidence is currently insufficient to determine the role of this variant in disease. Therefore, it has been classified as a Variant of Uncertain Significance.

NM_012079.6(DGAT1):c.184G>C (p.Gly62Arg)

Gene: DGAT1 (diacylglycerol O-acyltransferase 1; minus strand). Cytogenetic location: 8q24.3.
Variant type: single nucleotide variant.
Coding change: c.184G>C on transcript NM_012079.6 (MANE Select); coding-DNA position 184, G replaced by C.
Protein change: p.Gly62Arg; replaces glycine 62 with arginine.
Molecular consequence: missense variant.
Genome position (GRCh38, 1-based): chr8:144,326,453, C>G on the plus strand (G>C on the coding strand, the complement: DGAT1 is on the minus strand). VCF-style: chr8-144326453-C-G. GRCh37 (hg19) VCF-style: chr8-145550116-C-G.
Other names: short protein forms G62R.
Identifiers: ClinVar variation 1348638 (VCV001348638.4), dbSNP rs930349884, ClinGen allele CA187671669.